The following is an entry in ClinVar:

ClinVar aggregate classification (germline): Uncertain significance. Review status: criteria provided, multiple submitters, no conflicts (2 of 4 stars). 2 submissions from 2 submitters: Uncertain significance (2). Last evaluated 2024-01-02.

Conditions:
Inborn genetic diseases. Identifiers: MedGen C0950123, MeSH D030342.

Allele frequency attached by ClinVar (database versions not stated): gnomAD exomes 0.00001.
gnomAD v4.1: 9 of 1,551,676 alleles (0.00058%); highest among the groups gnomAD compares: East Asian, 0.0024%; no homozygotes.

Submissions (2):

Ambry Genetics
Classification: Uncertain significance for Inborn genetic diseases. Last evaluated: 2024-01-02. Review status: criteria provided, single submitter. Criteria: Ambry Variant Classification Scheme 2023. Collection method: clinical testing. Allele origin: germline.

Labcorp Genetics (formerly Invitae), Labcorp
Classification: Uncertain significance. Last evaluated: 2022-10-28. Review status: criteria provided, single submitter. Criteria: Invitae Variant Classification Sherloc (09022015). Collection method: clinical testing. Allele origin: germline.
Comment: This sequence change replaces arginine, which is basic and polar, with tryptophan, which is neutral and slightly polar, at codon 409 of the LOXHD1 protein (p.Arg409Trp). This variant is present in population databases (no rsID available, gnomAD 0.002%). This variant has not been reported in the literature in individuals affected with LOXHD1-related conditions. Algorithms developed to predict the effect of missense changes on protein structure and function are either unavailable or do not agree on the potential impact of this missense change (SIFT: "Deleterious"; PolyPhen-2: "Benign"; Align-GVGD: "Class C0"). In summary, the available evidence is currently insufficient to determine the role of this variant in disease. Therefore, it has been classified as a Variant of Uncertain Significance.

NM_001384474.1(LOXHD1):c.1225A>T (p.Arg409Trp)

Gene: LOXHD1 (lipoxygenase homology PLAT domains 1; minus strand). Cytogenetic location: 18q21.1.
Variant type: single nucleotide variant.
Coding change: c.1225A>T on transcript NM_001384474.1 (MANE Select); coding-DNA position 1225, A replaced by T.
Protein change: p.Arg409Trp; replaces arginine 409 with tryptophan.
Molecular consequence: missense variant.
Genome position (GRCh38, 1-based): chr18:46,594,376, T>A on the plus strand (A>T on the coding strand, the complement: LOXHD1 is on the minus strand). VCF-style: chr18-46594376-T-A. GRCh37 (hg19) VCF-style: chr18-44174339-T-A.
Other names: c.1225A>T, p.Arg409Trp (NM_144612.7); c.1225A>T (NM_144612.6); short protein forms R409W.
Identifiers: ClinVar variation 1982886 (VCV001982886.2), dbSNP rs1475971630, ClinGen allele CA402381017.
Genomic context (GRCh38, chr18:46,594,376, plus strand): 5'-GTCTCTCTCACTTACTTTTCAGCCGCTTCTTCCTGAGAGACACCATCTCATAGAGCTGCC[T>A]CTCAATCAACCCATCCGCTTTCTTCTCATCCAGCCAGTTGCTACAAGGGAAGGTCTGCTG-3'
Protein context (NP_001371403.1, residues 399-419): DEKKADGLIE[Arg409Trp]QLYEMVSLRK